The following is an entry in ClinVar:

NM_000038.6(APC):c.627T>C (p.Asp209=)

Gene: APC (APC regulator of Wnt signaling pathway; plus strand). Cytogenetic location: 5q22.2.
Variant type: single nucleotide variant.
Coding change: c.627T>C on transcript NM_000038.6 (MANE Select); coding-DNA position 627, T replaced by C.
Protein change: p.Asp209=; no amino-acid change (aspartic acid 209 retained).
Molecular consequence: synonymous variant. On other transcripts: 5 prime UTR variant (1).
Genome position (GRCh38, 1-based): chr5:112,780,885, T>C. VCF-style: chr5-112780885-T-C. GRCh37 (hg19) VCF-style: chr5-112116582-T-C.
Other names: c.627T>C, p.Asp209= (NM_001127510.3, NM_001354895.2, NM_001354896.2 and 2 more transcripts); c.657T>C, p.Asp219= (NM_001127511.3, NM_001354897.2, NM_001354902.2); c.552T>C, p.Asp184= (NM_001354898.2, NM_001354904.2); c.450T>C, p.Asp150= (NM_001354900.2, NM_001354901.2, NM_001354905.2); c.-409T>C (NM_001354906.2).
Identifiers: ClinVar variation 918441 (VCV000918441.10), dbSNP rs1373069696, ClinGen allele CA445755523.

ClinVar aggregate classification (germline): Benign/Likely benign. Review status: criteria provided, multiple submitters, no conflicts (2 of 4 stars). 5 submissions from 5 submitters: Benign (1); Likely benign (4). Last evaluated 2024-11-21.

Conditions:
Hereditary cancer-predisposing syndrome. Also called: Neoplastic Syndromes, Hereditary; Tumor predisposition; Hereditary Cancer Syndrome; Hereditary neoplastic syndrome. Identifiers: Orphanet 140162, MedGen C0027672, MeSH D009386, MONDO:0015356.
Classic or attenuated familial adenomatous polyposis. Identifiers: MedGen CN372698, MONDO:0021057.
Familial adenomatous polyposis 1 (FAP1). Also called: FAMILIAL ADENOMATOUS POLYPOSIS 1, ATTENUATED; POLYPOSIS, ADENOMATOUS INTESTINAL. Identifiers: MedGen C2713442, MONDO:0021056, OMIM 175100. Disease mechanism: loss of function.

Allele frequency attached by ClinVar (database versions not stated): gnomAD exomes below 0.00001; TOPMed below 0.00001.
gnomAD v4.1: 5 of 1,611,356 alleles (0.00031%); highest among the groups gnomAD compares: Middle Eastern, 0.017%; no homozygotes.

Submissions (5):

Labcorp Genetics (formerly Invitae), Labcorp
Classification: Likely benign for Familial adenomatous polyposis 1. Last evaluated: 2024-11-21. Review status: criteria provided, single submitter. Criteria: Invitae Variant Classification Sherloc (09022015). Collection method: clinical testing. Allele origin: germline.

Myriad Genetics, Inc.
Classification: Benign for Familial adenomatous polyposis 1. Last evaluated: 2024-02-26. Review status: criteria provided, single submitter. Criteria: Myriad Autosomal Dominant, Autosomal Recessive and X-Linked Classification Criteria (2023). Collection method: clinical testing. Allele origin: unknown.
Comment: This variant is considered benign. This variant is a silent/synonymous amino acid change and it is not expected to impact splicing.

All of Us Research Program, National Institutes of Health
Classification: Likely benign for Classic or attenuated familial adenomatous polyposis. Last evaluated: 2023-12-13. Review status: criteria provided, single submitter. Criteria: ACMG Guidelines, 2015. Collection method: clinical testing. Allele origin: germline. Inheritance: Autosomal dominant inheritance. Observed: 1 variant allele, 1 heterozygote.
Comment: This study involves interpretation of variants in research participants for the purpose of population health screening. Participant phenotype was not available at the time of variant classification. Additional details can be found in publication PMID: 35346344, PMCID: PMC8962531

Ambry Genetics
Classification: Likely benign for Hereditary cancer-predisposing syndrome. Last evaluated: 2019-12-11. Review status: criteria provided, single submitter. Criteria: Ambry Variant Classification Scheme 2023. Collection method: clinical testing. Allele origin: germline.

Color Diagnostics, LLC DBA Color Health
Classification: Likely benign for Hereditary cancer-predisposing syndrome. Last evaluated: 2019-11-25. Review status: criteria provided, single submitter. Criteria: ACMG Guidelines, 2015. Collection method: clinical testing. Allele origin: germline.